The following is an entry in ClinVar:

ClinVar aggregate classification (germline): Likely benign. Review status: criteria provided, multiple submitters, no conflicts (2 of 4 stars). 4 submissions from 4 submitters: Likely benign (3). 1 of the submissions does not count toward it. Last evaluated 2026-01-23.

Conditions:
TCF3-related disorder. Also called: TCF3-related condition.

Allele frequency attached by ClinVar (database versions not stated): TOPMed 0.00009; gnomAD 0.00011 and 0.00012; gnomAD exomes 0.00011 and 0.00016; 1000 Genomes Project 30x 0.00016; 1000 Genomes Project 0.00020; ExAC 0.00025.
gnomAD v4.1: 220 of 1,613,192 alleles (0.014%); highest among the groups gnomAD compares: South Asian, 0.097%; 3 homozygotes.

Submissions (4):

Women's Health and Genetics/Laboratory Corporation of America, LabCorp
Classification: Likely benign. Last evaluated: 2026-01-23. Review status: criteria provided, single submitter. Criteria: LabCorp Variant Classification Summary - May 2015. Collection method: clinical testing. Allele origin: germline.

Labcorp Genetics (formerly Invitae), Labcorp
Classification: Likely benign. Last evaluated: 2025-12-25. Review status: criteria provided, single submitter. Criteria: Invitae Variant Classification Sherloc (09022015). Collection method: clinical testing. Allele origin: germline.

Blueprint Genetics
Classification: Likely benign. Last evaluated: 2024-10-14. Review status: criteria provided, single submitter. Criteria: ACMG Guidelines, 2015. Collection method: clinical testing. Allele origin: germline.

PreventionGenetics, part of Exact Sciences
Classification: Likely benign for TCF3-related condition. Last evaluated: 2019-07-31. Review status: no assertion criteria provided. Collection method: clinical testing. Allele origin: germline. Not counted in ClinVar's aggregate classification.
Comment: This variant is classified as likely benign based on ACMG/AMP sequence variant interpretation guidelines (Richards et al. 2015 PMID: 25741868, with internal and published modifications).

NM_003200.5(TCF3):c.252G>A (p.Ser84=)

Gene: TCF3 (transcription factor 3; minus strand). Cytogenetic location: 19p13.3.
Variant type: single nucleotide variant.
Coding change: c.252G>A on transcript NM_003200.5 (MANE Select); coding-DNA position 252, G replaced by A.
Protein change: p.Ser84=; no amino-acid change (serine 84 retained).
Molecular consequence: synonymous variant.
Genome position (GRCh38, 1-based): chr19:1,632,084, C>T on the plus strand (G>A on the coding strand, the complement: TCF3 is on the minus strand). VCF-style: chr19-1632084-C-T. GRCh37 (hg19) VCF-style: chr19-1632083-C-T.
Other names: c.252G>A, p.Ser84= (NM_001136139.4, NM_001351778.2, NM_001351779.2); c.252G>A (NM_003200.3).
Identifiers: ClinVar variation 1092373 (VCV001092373.13), dbSNP rs367960890, ClinGen allele CA9050519.
Genomic context (GRCh38, chr19:1,632,084, plus strand): 5'-GGCCAGGCACTCACCTCCGAGTCCCGGTCCCAGGAATGTGGATGAAGAGAGGCTGCTGTG[C>T]GACTCAGTGAAGTGGGTGCCCTCGCTGAAGGTCTAGGGGAGATGGGGTGGGGATGAGAGG-3'
Protein context (NP_003191.1, residues 74-94): TFSEGTHFTE[Ser84=]HSSLSSSTFL